The following is an entry in ClinVar:

ClinVar aggregate classification (germline): Uncertain significance. Review status: criteria provided, multiple submitters, no conflicts (2 of 4 stars). 4 submissions from 4 submitters: Uncertain significance (3). 1 of the submissions does not count toward it. Last evaluated 2021-12-02.

Conditions:
Periventricular heterotopia with microcephaly, autosomal recessive (ARPHM). Also called: Periventricular heterotopia with microcephaly; PERIVENTRICULAR NODULAR HETEROTOPIA 2. Identifiers: Orphanet 2149, MedGen C1842563, MONDO:0011966, OMIM 608097.
Microcephaly. Also called: Microcephaly (disease). Identifiers: MedGen C4551563, MONDO:0001149, HP:0000252.

Allele frequency attached by ClinVar (database versions not stated): gnomAD 0.00003 and 0.00007; TOPMed 0.00004; ESP Exome Variant Server 0.00008; gnomAD exomes 0.00011 and 0.00013; ExAC 0.00013; 1000 Genomes Project 30x 0.00047; 1000 Genomes Project 0.00060.
gnomAD v4.1: 161 of 1,614,190 alleles (0.01%); highest among the groups gnomAD compares: East Asian, 0.33%; 1 homozygote.

Submissions (4):

Labcorp Genetics (formerly Invitae), Labcorp
Classification: Uncertain significance. Last evaluated: 2021-12-02. Review status: criteria provided, single submitter. Criteria: Invitae Variant Classification Sherloc (09022015). Collection method: clinical testing. Allele origin: germline.
Comment: This sequence change replaces arginine, which is basic and polar, with glutamine, which is neutral and polar, at codon 113 of the ARFGEF2 protein (p.Arg113Gln). This variant is present in population databases (rs143956045, gnomAD 0.1%). This variant has not been reported in the literature in individuals affected with ARFGEF2-related conditions. ClinVar contains an entry for this variant (Variation ID: 813556). Algorithms developed to predict the effect of missense changes on protein structure and function (SIFT, PolyPhen-2, Align-GVGD) all suggest that this variant is likely to be tolerated. In summary, the available evidence is currently insufficient to determine the role of this variant in disease. Therefore, it has been classified as a Variant of Uncertain Significance.

GeneDx
Classification: Uncertain significance. Last evaluated: 2021-08-11. Review status: criteria provided, single submitter. Criteria: GeneDx Variant Classification Process June 2021. Collection method: clinical testing. Allele origin: germline. Affected: yes.
Comment: In silico analysis supports that this missense variant does not alter protein structure/function; Has not been previously published as pathogenic or benign to our knowledge

Baylor Genetics
Classification: Uncertain significance for Periventricular heterotopia with microcephaly, autosomal recessive. Last evaluated: 2018-05-08. Review status: criteria provided, single submitter. Criteria: ACMG Guidelines, 2015. Collection method: clinical testing. Allele origin: unknown. Affected: yes.
Comment: This variant was determined to be of uncertain significance according to ACMG Guidelines, 2015 [PMID:25741868].

Department of Pediatrics, Samsung Medical Center, Samsung Medical Center
Classification: Uncertain significance for Microcephaly. Review status: no assertion criteria provided. Criteria: ACMG Guidelines, 2015. Collection method: research. Allele origin: germline. Affected: yes. Not counted in ClinVar's aggregate classification.

NM_006420.3(ARFGEF2):c.338G>A (p.Arg113Gln)

Gene: ARFGEF2 (ARF guanine nucleotide exchange factor 2; plus strand). Cytogenetic location: 20q13.13.
Variant type: single nucleotide variant.
Coding change: c.338G>A on transcript NM_006420.3 (MANE Select); coding-DNA position 338, G replaced by A.
Protein change: p.Arg113Gln; replaces arginine 113 with glutamine.
Molecular consequence: missense variant.
Genome position (GRCh38, 1-based): chr20:48,951,384, G>A. VCF-style: chr20-48951384-G-A. GRCh37 (hg19) VCF-style: chr20-47567921-G-A.
Other names: short protein forms R113Q.
Identifiers: ClinVar variation 813556 (VCV000813556.7), dbSNP rs143956045, ClinGen allele CA9898135.